The following is an entry in ClinVar:

ClinVar aggregate classification (germline): Benign/Likely benign. Review status: criteria provided, multiple submitters, no conflicts (2 of 4 stars). 3 submissions from 3 submitters: Benign (1); Likely benign (2). Last evaluated 2026-06-01.

Conditions:
Hereditary sensory and autonomic neuropathy type 1 (HSAN1). Also called: HSAN 1; HSN Type I; Hereditary Sensory Neuropathy Type I. Identifiers: Orphanet 36386, MedGen C0020071, MONDO:0018213.
SPTLC1-related disorder. Also called: SPTLC1-related condition.

Allele frequency attached by ClinVar (database versions not stated): gnomAD 0.00003; ESP Exome Variant Server 0.00008; gnomAD exomes 0.00017 and 0.00035; ExAC 0.00029; TOPMed 0.00015.
gnomAD v4.1: 103 of 1,613,856 alleles (0.0064%); highest among the groups gnomAD compares: Admixed American, 0.17%; no homozygotes.

Submissions (3):

CeGaT Center for Human Genetics Tuebingen
Classification: Likely benign. Last evaluated: 2026-06-01. Review status: criteria provided, single submitter. Criteria: CeGaT Center For Human Genetics Tuebingen Variant Classification Criteria Version 2. Collection method: clinical testing. Allele origin: germline. Affected: yes. Observed: 2 variant alleles.
Comment: SPTLC1: BP4, BP7

PreventionGenetics, part of Exact Sciences
Classification: Likely benign for SPTLC1-related condition. Last evaluated: 2025-08-07. Review status: criteria provided, single submitter. Criteria: ACMG Guidelines, 2015. Collection method: clinical testing. Allele origin: germline.
Comment: This variant is classified as likely benign based on ACMG/AMP sequence variant interpretation guidelines (Richards et al. 2015 PMID: 25741868, with internal and published modifications).

Labcorp Genetics (formerly Invitae), Labcorp
Classification: Benign for Hereditary sensory and autonomic neuropathy type 1. Last evaluated: 2025-04-30. Review status: criteria provided, single submitter. Criteria: Invitae Variant Classification Sherloc (09022015). Collection method: clinical testing. Allele origin: germline.

NM_006415.4(SPTLC1):c.654G>A (p.Glu218=)

Gene: SPTLC1 (serine palmitoyltransferase long chain base subunit 1; minus strand). Cytogenetic location: 9q22.31.
Variant type: single nucleotide variant.
Coding change: c.654G>A on transcript NM_006415.4 (MANE Select); coding-DNA position 654, G replaced by A.
Protein change: p.Glu218=; no amino-acid change (glutamic acid 218 retained).
Molecular consequence: synonymous variant.
Genome position (GRCh38, 1-based): chr9:92,059,215, C>T on the plus strand (G>A on the coding strand, the complement: SPTLC1 is on the minus strand). VCF-style: chr9-92059215-C-T. GRCh37 (hg19) VCF-style: chr9-94821497-C-T.
Other names: c.654G>A, p.Glu218= (NM_001281303.2); c.288G>A, p.Glu96= (NM_001368272.1); c.189G>A, p.Glu63= (NM_001368273.1).
Identifiers: ClinVar variation 703329 (VCV000703329.15), dbSNP rs369193357, ClinGen allele CA5121487.
Genomic context (GRCh38, chr9:92,059,215, plus strand): 5'-TAATTTTCTTCAAAAGAATCATACCTTTTGATCTTCGATCTCTTGTTCTTTTAGTAGTCG[C>T]TCGAGGTCAGCCATGTCATTATGCTTAAATAACTTAATGTCACTACGGGATGCCTGTAAT-3'
Protein context (NP_006406.1, residues 208-228): LFKHNDMADL[Glu218=]RLLKEQEIED